The following is an entry in ClinVar:

NM_152383.5(DIS3L2):c.734G>C (p.Arg245Pro)

Gene: DIS3L2 (DIS3 like 3'-5' exoribonuclease 2; plus strand). Cytogenetic location: 2q37.1.
Variant type: single nucleotide variant.
Coding change: c.734G>C on transcript NM_152383.5 (MANE Select); coding-DNA position 734, G replaced by C.
Protein change: p.Arg245Pro; replaces arginine 245 with proline.
Molecular consequence: missense variant. On other transcripts: non-coding transcript variant (1).
Genome position (GRCh38, 1-based): chr2:232,136,503, G>C. VCF-style: chr2-232136503-G-C. GRCh37 (hg19) VCF-style: chr2-233001213-G-C.
Other names: c.734G>C, p.Arg245Pro (NM_001257281.2); short protein forms R245P.
Identifiers: ClinVar variation 1053819 (VCV001053819.9), dbSNP rs1201462126, ClinGen allele CA351153478.
Genomic context (GRCh38, chr2:232,136,503, plus strand): 5'-AACATTGACTATATCTTTGGTGTTTTTAGGTGGTTTACATCTTGGAGAAAAAACATTCTC[G>C]AGCAGCAACCGGCTTCCTCAAACTCTTGGCTGATAAGAACAGCGAACTGTTTAGGAAATA-3'
Protein context (NP_689596.4, residues 235-255): VVYILEKKHS[Arg245Pro]AATGFLKLLA

ClinVar aggregate classification (germline): Uncertain significance (1 of 4 stars; one submission).

Conditions:
Perlman syndrome (PRLMNS). Identifiers: Orphanet 2849, MedGen C0796113, MONDO:0009965, OMIM 267000.

gnomAD v4.1: 2 of 1,613,910 alleles (0.00012%); highest among the groups gnomAD compares: East Asian, 0.0045%; no homozygotes.

Submission:

Labcorp Genetics (formerly Invitae), Labcorp
Classification: Uncertain significance for Perlman syndrome. Last evaluated: 2020-02-21. Review status: criteria provided, single submitter. Criteria: Invitae Variant Classification Sherloc (09022015). Collection method: clinical testing. Allele origin: germline.
Comment: In summary, the available evidence is currently insufficient to determine the role of this variant in disease. Therefore, it has been classified as a Variant of Uncertain Significance. Algorithms developed to predict the effect of missense changes on protein structure and function (SIFT, PolyPhen-2, Align-GVGD) all suggest that this variant is likely to be disruptive, but these predictions have not been confirmed by published functional studies and their clinical significance is uncertain. This variant has not been reported in the literature in individuals with DIS3L2-related conditions. This variant is not present in population databases (ExAC no frequency). This sequence change replaces arginine with proline at codon 245 of the DIS3L2 protein (p.Arg245Pro). The arginine residue is highly conserved and there is a moderate physicochemical difference between arginine and proline.